The following is an entry in ClinVar:

NM_000059.4(BRCA2):c.5921dup (p.Cys1975fs)

Gene: BRCA2 (BRCA2 DNA repair associated; plus strand). Cytogenetic location: 13q13.1.
Variant type: Duplication.
Coding change: c.5921dup on transcript NM_000059.4 (MANE Select); coding-DNA position 5921, one base duplicated (C; older notation c.5921dupC).
Protein change: p.Cys1975fs; shifts the reading frame from cysteine 1975.
Molecular consequence: frameshift variant. On other transcripts: non-coding transcript variant (1), intron variant (2).
Genome position (GRCh38, 1-based): chr13:32,340,276, C duplicated. VCF-style (leftmost placement, unchanged base first): chr13-32340275-A-AC. GRCh37 (hg19) VCF-style: chr13-32914412-A-AC.
Other names: c.5921dup, p.Cys1975fs (NM_001406719.1, NM_001406720.1); c.1910-4282dup (NM_001406721.1); c.425-4282dup (NM_001406722.1); short protein forms C1975fs.
Identifiers: ClinVar variation 3076066 (VCV003076066.1), dbSNP rs2548532111, ClinGen allele CA913188520.
Genomic context (GRCh38, chr13:32,340,275, plus strand): 5'-ACTTCAGATATATGTAAATGTAGTATAGGGAAGCTTCATAAGTCAGTCTCATCTGCAAAT[A>AC]CTTGTGGGATTTTTAGCACAGCAAGTGGAAAATCTGTCCAGGTATCAGATGCTTCATTAC-3'

ClinVar aggregate classification (germline): Pathogenic (1 of 4 stars; one submission).

Conditions:
Hereditary breast ovarian cancer syndrome. Also called: Hereditary breast and ovarian cancer syndrome; Hereditary breast and ovarian cancer; Hereditary breast and ovarian cancer syndrome (HBOC); Breast and ovarian cancer; Hereditary breast and/or ovarian cancer syndrome; BRCA1- and BRCA2-Associated Hereditary Breast and Ovarian Cancer. Identifiers: Orphanet 145, MedGen C0677776, MeSH D061325, MONDO:0003582. Disease mechanism: loss of function.

Submission:

Laboratory for Molecular Medicine, Mass General Brigham Personalized Medicine
Classification: Pathogenic for Hereditary breast ovarian cancer syndrome. Last evaluated: 2019-01-29. Review status: criteria provided, single submitter. Criteria: ACMG Guidelines, 2015. Collection method: clinical testing. Allele origin: germline. Inheritance: Autosomal dominant inheritance.
Comment: The p.Cys1975fs variant in BRCA2 has not been previously reported in individuals with BRCA2-associated cancer and was absent from large population studies. This variant is predicted to cause a frameshift, which alters the protein’s amino acid sequence beginning at position 1975 and leads to a premature termination codon 5 amino acids downstream. This alteration is then predicted to lead to a truncated or absent protein. Heterozygous loss of function of the BRCA2 gene is an established disease mechanism in hereditary breast and ovarian cancer syndrome (HBOC). In summary, this variant meets criteria to be classified as pathogenic for HBOC in an autosomal dominant manner based upon absence from controls and its predicted impact on the protein. ACMG/AMP Criteria applied: PVS1; PM2.